The following is an entry in ClinVar:

NM_001291303.3(FAT4):c.188C>T (p.Thr63Ile)

Gene: FAT4 (FAT atypical cadherin 4; plus strand). Cytogenetic location: 4q28.1.
Variant type: single nucleotide variant.
Coding change: c.188C>T on transcript NM_001291303.3 (MANE Select); coding-DNA position 188, C replaced by T.
Protein change: p.Thr63Ile; replaces threonine 63 with isoleucine.
Molecular consequence: missense variant.
Genome position (GRCh38, 1-based): chr4:125,316,599, C>T. VCF-style: chr4-125316599-C-T. GRCh37 (hg19) VCF-style: chr4-126237754-C-T.
Other names: c.188C>T (NM_024582.4, NM_001291303.1); c.188C>T, p.Thr63Ile (NM_001291285.3, NM_024582.6); short protein forms T63I.
Identifiers: ClinVar variation 1421199 (VCV001421199.7), dbSNP rs754711855, ClinGen allele CA3071761.

ClinVar aggregate classification (germline): Uncertain significance. Review status: criteria provided, multiple submitters, no conflicts (2 of 4 stars). 3 submissions from 3 submitters: Uncertain significance (3). Last evaluated 2025-02-17.

Conditions:
FAT4-related disorder. Also called: FAT4-related condition.

Allele frequency attached by ClinVar (database versions not stated): TOPMed 0.00009; gnomAD 0.00010 and 0.00013; ExAC 0.00001; gnomAD exomes 0.00002.
gnomAD v4.1: 25 of 1,613,934 alleles (0.0015%); highest among the groups gnomAD compares: African/African-American, 0.032%; no homozygotes.

Submissions (3):

Labcorp Genetics (formerly Invitae), Labcorp
Classification: Uncertain significance. Last evaluated: 2025-02-17. Review status: criteria provided, single submitter. Criteria: Invitae Variant Classification Sherloc (09022015). Collection method: clinical testing. Allele origin: germline.
Comment: This sequence change replaces threonine, which is neutral and polar, with isoleucine, which is neutral and non-polar, at codon 63 of the FAT4 protein (p.Thr63Ile). This variant is present in population databases (rs754711855, gnomAD 0.03%). This variant has not been reported in the literature in individuals affected with FAT4-related conditions. ClinVar contains an entry for this variant (Variation ID: 1421199). Invitae Evidence Modeling of protein sequence and biophysical properties (such as structural, functional, and spatial information, amino acid conservation, physicochemical variation, residue mobility, and thermodynamic stability) indicates that this missense variant is not expected to disrupt FAT4 protein function with a negative predictive value of 95%. In summary, the available evidence is currently insufficient to determine the role of this variant in disease. Therefore, it has been classified as a Variant of Uncertain Significance.

GeneDx
Classification: Uncertain significance. Last evaluated: 2024-04-25. Review status: criteria provided, single submitter. Criteria: GeneDx Variant Classification Process June 2021. Collection method: clinical testing. Allele origin: germline. Affected: yes.
Comment: In silico analysis indicates that this missense variant does not alter protein structure/function; Has not been previously published as pathogenic or benign to our knowledge

PreventionGenetics, part of Exact Sciences
Classification: Uncertain significance for FAT4-related condition. Last evaluated: 2023-02-02. Review status: criteria provided, single submitter. Criteria: ACMG Guidelines, 2015. Collection method: clinical testing. Allele origin: germline.
Comment: The FAT4 c.188C>T variant is predicted to result in the amino acid substitution p.Thr63Ile. To our knowledge, this variant has not been reported in the literature. This variant is reported in 0.033% of alleles in individuals of African descent in gnomAD. At this time, the clinical significance of this variant is uncertain due to the absence of conclusive functional and genetic evidence.